The following is an entry in ClinVar:

NM_001385875.1(ZFYVE27):c.*413C>T

Gene: ZFYVE27 (zinc finger FYVE-type containing 27; plus strand). Cytogenetic location: 10q24.2.
Variant type: single nucleotide variant.
Coding change: c.*413C>T on transcript NM_001385875.1 (MANE Select); 413 bases downstream of the stop codon, C replaced by T.
Molecular consequence: 3 prime UTR variant. On other transcripts: non-coding transcript variant (17).
Genome position (GRCh38, 1-based): chr10:97,759,713, C>T. VCF-style: chr10-97759713-C-T. GRCh37 (hg19) VCF-style: chr10-99519470-C-T.
Other names: c.*413C>T (NM_001002261.4, NM_001002262.4, NM_001174119.2 and 39 more transcripts).
Identifiers: ClinVar variation 301848 (VCV000301848.6), dbSNP rs181508408, ClinGen allele CA10636636.
Genomic context (GRCh38, chr10:97,759,713, plus strand): 5'-GGGTCAGTGTGGCTGTGCCTGGGAATTCCAGACCTGAGGTTGGGAAAAGAGGTTTTTCTC[C>T]TGCAGGGTACTGGGCCAGGCCCTCAGCCTCAGAGAGCCTGCAGAAGGGCTTGGGAGTGCC-3'

ClinVar aggregate classification (germline): Benign. Review status: criteria provided, multiple submitters, no conflicts (2 of 4 stars). 2 submissions from 2 submitters: Benign (2). Last evaluated 2018-01-12.

Conditions:
Hereditary spastic paraplegia 33. Also called: SPASTIC PARAPLEGIA 33, AUTOSOMAL DOMINANT. Identifiers: MedGen C1853251, MONDO:0012448, OMIM 610244.

Allele frequency attached by ClinVar (database versions not stated): 1000 Genomes Project 0.00080; 1000 Genomes Project 30x 0.00156; gnomAD 0.00227 and 0.00228; TOPMed 0.00243; gnomAD exomes 0.00277.
gnomAD v4.1: 758 of 300,558 alleles (0.25%); highest among the groups gnomAD compares: Non-Finnish European, 0.37%; 1 homozygote.

Submissions (2):

Illumina Laboratory Services, Illumina
Classification: Benign for Hereditary spastic paraplegia 33. Last evaluated: 2018-01-12. Review status: criteria provided, single submitter. Criteria: ICSL Variant Classification Criteria 13 December 2019. Collection method: clinical testing. Allele origin: germline.
Comment: This variant was observed in the ICSL laboratory as part of a predisposition screen in an ostensibly healthy population. It had not been previously curated by ICSL or reported in the Human Gene Mutation Database (HGMD: prior to June 1st, 2018), and was therefore a candidate for classification through an automated scoring system. Utilizing variant allele frequency, disease prevalence and penetrance estimates, and inheritance mode, an automated score was calculated to assess if this variant is too frequent to cause the disease. Based on the score and internal cut-off values, a variant classified as benign is not then subjected to further curation. The score for this variant resulted in a classification of benign for this disease.

Breakthrough Genomics
Classification: Benign. Review status: criteria provided, single submitter. Criteria: ACMG Guidelines, 2015. Collection method: not provided. Allele origin: germline. Inheritance: Autosomal dominant inheritance. Affected: yes.